The following is an entry in ClinVar:

NM_000535.7(PMS2):c.209A>T (p.Asp70Val)

Gene: PMS2 (PMS1 homolog 2, mismatch repair system component; minus strand). Cytogenetic location: 7p22.1.
Variant type: single nucleotide variant.
Coding change: c.209A>T on transcript NM_000535.7 (MANE Select); coding-DNA position 209, A replaced by T.
Protein change: p.Asp70Val; replaces aspartic acid 70 with valine.
Molecular consequence: missense variant. On other transcripts: 5 prime UTR variant (11), non-coding transcript variant (1).
Genome position (GRCh38, 1-based): chr7:6,004,013, T>A on the plus strand (A>T on the coding strand, the complement: PMS2 is on the minus strand). VCF-style: chr7-6004013-T-A. GRCh37 (hg19) VCF-style: chr7-6043644-T-A.
Other names: c.-197A>T (NM_001018040.1, NM_001322003.2, NM_001322004.2 and 14 more transcripts); c.209A>T, p.Asp70Val (NM_001322006.2, NM_001322014.2, NM_001406868.1 and 10 more transcripts); c.-7A>T (NM_001322007.2, NM_001322008.2, NM_001406876.1 and 4 more transcripts); c.-676A>T (NM_001322011.2, NM_001322012.2); c.-276A>T (NM_001322015.2, NM_001406875.1, NM_001406877.1 and 3 more transcripts); c.395A>T, p.Asp132Val (NM_001406866.1); c.-223A>T (NM_001406880.1); c.-173A>T (NM_001406881.1, NM_001406900.1); and 2 more; short protein forms D132V, D70V.
Identifiers: ClinVar variation 1785853 (VCV001785853.3), dbSNP rs1554305000, ClinGen allele CA366744845.

ClinVar aggregate classification (germline): Likely pathogenic (1 of 4 stars; one submission).

Conditions:
Hereditary cancer-predisposing syndrome. Also called: Tumor predisposition; Hereditary Cancer Syndrome; Hereditary neoplastic syndrome; Neoplastic Syndromes, Hereditary. Identifiers: Orphanet 140162, MedGen C0027672, MeSH D009386, MONDO:0015356.

Submission:

Ambry Genetics
Classification: Likely pathogenic for Hereditary cancer-predisposing syndrome. Last evaluated: 2026-02-20. Review status: criteria provided, single submitter. Criteria: Ambry Variant Classification Scheme 2023. Collection method: clinical testing. Allele origin: germline.
Comment: The p.D70V variant (also known as c.209A>T), located in coding exon 3 of the PMS2 gene, results from an A to T substitution at nucleotide position 209. The aspartic acid at codon 70 is replaced by valine, an amino acid with highly dissimilar properties. This amino acid position is highly conserved in available vertebrate species. In addition, this alteration is predicted to be deleterious by in silico analysis. This variant is considered to be rare based on population cohorts in the Genome Aggregation Database (gnomAD). Based on the majority of available evidence to date, this variant is likely to be pathogenic.